The following is an entry in ClinVar:

ClinVar aggregate classification (germline): Conflicting classifications of pathogenicity. Review status: criteria provided, conflicting classifications (1 of 4 stars). 5 submissions from 5 submitters: Uncertain significance (4); Likely benign (1). Last evaluated 2026-03-01.

Conditions:
Cardiomyopathy (CMYO). Also called: Cardiomyopathies. Identifiers: Orphanet 167848, MedGen C0878544, MONDO:0004994, HP:0001638. Inheritance: Various modes of inheritance.
Dilated cardiomyopathy 1G (CMD1G). Identifiers: Orphanet 154, MedGen C1858763, MONDO:0011400, OMIM 604145.
Autosomal recessive limb-girdle muscular dystrophy type 2J (LGMDR10). Also called: Limb-girdle muscular dystrophy, type 2J; MUSCULAR DYSTROPHY, LIMB-GIRDLE, AUTOSOMAL RECESSIVE 10. Identifiers: Orphanet 140922, MedGen C1837342, MONDO:0012127, OMIM 608807.

Allele frequency attached by ClinVar (database versions not stated): gnomAD 0.00004 and 0.00005; gnomAD exomes 0.00005 and 0.00011; TOPMed 0.00008; ExAC 0.00011; 1000 Genomes Project 0.00020; 1000 Genomes Project 30x 0.00031.
gnomAD v4.1: 79 of 1,612,908 alleles (0.0049%); highest among the groups gnomAD compares: Admixed American, 0.047%; no homozygotes.

Submissions (5):

CeGaT Center for Human Genetics Tuebingen
Classification: Uncertain significance. Last evaluated: 2026-03-01. Review status: criteria provided, single submitter. Criteria: CeGaT Center For Human Genetics Tuebingen Variant Classification Criteria Version 2. Collection method: clinical testing. Allele origin: germline. Affected: yes. Observed: 2 variant alleles.
Comment: TTN: PM2

Mayo Clinic Laboratories, Mayo Clinic
Classification: Uncertain significance. Last evaluated: 2024-04-23. Review status: criteria provided, single submitter. Criteria: ACMG Guidelines, 2015. Collection method: clinical testing. Allele origin: germline. Observed: 1 variant allele.

CHEO Genetics Diagnostic Laboratory, Children's Hospital of Eastern Ontario
Classification: Likely benign for Cardiomyopathy. Last evaluated: 2021-07-22. Review status: criteria provided, single submitter. Criteria: ACMG Guidelines, 2015. Collection method: clinical testing. Allele origin: germline.

Revvity Omics, Revvity
Classification: Uncertain significance. Last evaluated: 2020-10-05. Review status: criteria provided, single submitter. Criteria: ACMG Guidelines, 2015. Collection method: clinical testing. Allele origin: germline.

Labcorp Genetics (formerly Invitae), Labcorp
Classification: Uncertain significance for Dilated cardiomyopathy 1G; Autosomal recessive limb-girdle muscular dystrophy type 2J. Last evaluated: 2017-06-15. Review status: criteria provided, single submitter. Criteria: Invitae Variant Classification Sherloc (09022015). Collection method: clinical testing. Allele origin: germline.

NM_001267550.2(TTN):c.65986C>T (p.Arg21996Cys)

Genes: TTN (titin; minus strand), TTN-AS1 (TTN antisense RNA 1; plus strand). Cytogenetic location: 2q31.2.
Variant type: single nucleotide variant.
Coding change: c.65986C>T on transcript NM_001267550.2 (MANE Select); coding-DNA position 65986, C replaced by T.
Protein change: p.Arg21996Cys; replaces arginine 21996 with cysteine.
Molecular consequence: missense variant.
Genome position (GRCh38, 1-based): chr2:178,582,470, G>A on the plus strand (C>T on the coding strand, the complement: TTN is on the minus strand). VCF-style: chr2-178582470-G-A. GRCh37 (hg19) VCF-style: chr2-179447197-G-A.
Other names: p.Arg20355Cys; c.61063C>T, p.Arg20355Cys (NM_001256850.1); c.38791C>T, p.Arg12931Cys (NM_003319.4); c.58282C>T, p.Arg19428Cys (NM_133378.4); c.39166C>T, p.Arg13056Cys (NM_133432.3); c.39367C>T, p.Arg13123Cys (NM_133437.4); short protein forms R21996C, R13123C, R19428C, R12931C, R20355C, R13056C.
Identifiers: ClinVar variation 467385 (VCV000467385.17), dbSNP rs577114038, ClinGen allele CA1991600.